The following is an entry in ClinVar:

NM_001174089.2(SLC4A11):c.1418C>T (p.Ser473Leu)

Gene: SLC4A11 (solute carrier family 4 member 11; minus strand). Cytogenetic location: 20p13.
Variant type: single nucleotide variant.
Coding change: c.1418C>T on transcript NM_001174089.2 (MANE Select); coding-DNA position 1418, C replaced by T.
Protein change: p.Ser473Leu; replaces serine 473 with leucine.
Molecular consequence: missense variant. On other transcripts: non-coding transcript variant (1).
Genome position (GRCh38, 1-based): chr20:3,230,258, G>A on the plus strand (C>T on the coding strand, the complement: SLC4A11 is on the minus strand). VCF-style: chr20-3230258-G-A. GRCh37 (hg19) VCF-style: chr20-3210904-G-A.
Other names: c.1547C>T, p.Ser516Leu (NM_001174090.2); c.1304C>T, p.Ser435Leu (NM_001363745.2); c.1466C>T, p.Ser489Leu (NM_032034.4); c.1466C>T (NM_032034.3); short protein forms S489L, S473L, S435L, S516L.
Identifiers: ClinVar variation 1305 (VCV000001305.11), dbSNP rs121909388, ClinGen allele CA250435.

ClinVar aggregate classification (germline): Pathogenic/Likely pathogenic. Review status: criteria provided, multiple submitters, no conflicts (2 of 4 stars). 4 submissions from 4 submitters: Pathogenic (2); Likely pathogenic (1). 1 of the submissions does not count toward it. Last evaluated 2024-10-14.

Conditions:
Corneal dystrophy-perceptive deafness syndrome (CDPD). Also called: CORNEAL DYSTROPHY AND SENSORINEURAL DEAFNESS; HARBOYAN SYNDROME. Identifiers: Orphanet 1490, MedGen C1857572, MONDO:0009015, OMIM 217400.
Congenital hereditary endothelial dystrophy of cornea. Also called: Congenital hereditary endothelial dystrophy of the cornea; Maumenee corneal dystrophy; CORNEAL DYSTROPHY, CONGENITAL HEREDITARY ENDOTHELIAL; Corneal endothelial dystrophy, autosomal recessive; Congenital hereditary endothelial dystrophy type II. Identifiers: Orphanet 293603, MedGen C1857569, MONDO:0009019, OMIM 217700.

Allele frequency attached by ClinVar (database versions not stated): TOPMed below 0.00001; gnomAD 0.00001; gnomAD exomes 0.00001; ExAC 0.00002.

Submissions (4):

Women's Health and Genetics/Laboratory Corporation of America, LabCorp
Classification: Pathogenic for Corneal dystrophy-perceptive deafness syndrome. Last evaluated: 2024-10-14. Review status: criteria provided, single submitter. Criteria: LabCorp Variant Classification Summary - May 2015. Collection method: clinical testing. Allele origin: germline.
Comment: Variant summary: SLC4A11 c.1466C>T (p.Ser489Leu) results in a non-conservative amino acid change located in the Bicarbonate transporter-like, transmembrane domain (IPR011531) of the encoded protein sequence. Five of five in-silico tools predict a damaging effect of the variant on protein function. The variant allele was found at a frequency of 1.2e-05 in 251098 control chromosomes (gnomAD). c.1466C>T has been reported in the literature in multiple individuals affected with Corneal endothelial dystrophy 2 (e.g. Vithana_2006, Sultana_2007, Chaurasia_2020). These data indicate that the variant is very likely to be associated with disease. At least one publication reports experimental evidence evaluating an impact on protein function, finding that the variant results in <10% of the normal fraction of mature protein (Alka_2018). The following publications have been ascertained in the context of this evaluation (PMID: 16767101, 17679935, 31714402, 29327391). ClinVar contains an entry for this variant (Variation ID: 1305). Based on the evidence outlined above, the variant was classified as pathogenic.

Labcorp Genetics (formerly Invitae), Labcorp
Classification: Pathogenic. Last evaluated: 2024-04-27. Review status: criteria provided, single submitter. Criteria: Invitae Variant Classification Sherloc (09022015). Collection method: clinical testing. Allele origin: germline.
Comment: This sequence change replaces serine, which is neutral and polar, with leucine, which is neutral and non-polar, at codon 489 of the SLC4A11 protein (p.Ser489Leu). This variant is present in population databases (rs121909388, gnomAD 0.008%). This missense change has been observed in individuals with congenital hereditary endothelial dystrophy (PMID: 16767101, 17679935, 31714402). ClinVar contains an entry for this variant (Variation ID: 1305). An algorithm developed to predict the effect of missense changes on protein structure and function (PolyPhen-2) suggests that this variant is likely to be disruptive. Experimental studies have shown that this missense change affects SLC4A11 function (PMID: 16767101, 29327391). This variant disrupts the p.Ser489 amino acid residue in SLC4A11. Other variant(s) that disrupt this residue have been determined to be pathogenic (PMID: 36115991). This suggests that this residue is clinically significant, and that variants that disrupt this residue are likely to be disease-causing. For these reasons, this variant has been classified as Pathogenic.

Revvity Omics, Revvity
Classification: Likely pathogenic. Last evaluated: 2023-02-21. Review status: criteria provided, single submitter. Criteria: ACMG Guidelines, 2015. Collection method: clinical testing. Allele origin: germline.

OMIM
Classification: Pathogenic for CORNEAL ENDOTHELIAL DYSTROPHY. Last evaluated: 2008-03-01. Review status: no assertion criteria provided. Collection method: literature only. Allele origin: germline. Not counted in ClinVar's aggregate classification.

Literature cited by the submitters: PubMed 29327391 (cited by Women's Health and Genetics/Laboratory Corporation of America, LabCorp and Labcorp Genetics (formerly Invitae), Labcorp); PubMed 31714402 (cited by Women's Health and Genetics/Laboratory Corporation of America, LabCorp and Labcorp Genetics (formerly Invitae), Labcorp); PubMed 17679935 (cited by Women's Health and Genetics/Laboratory Corporation of America, LabCorp and Labcorp Genetics (formerly Invitae), Labcorp); PubMed 16767101 (cited by Women's Health and Genetics/Laboratory Corporation of America, LabCorp and Labcorp Genetics (formerly Invitae), Labcorp); PubMed 36115991 (cited by Labcorp Genetics (formerly Invitae), Labcorp); PubMed 18024964 (cited by OMIM).